The following is an entry in ClinVar:

NM_152419.3(HGSNAT):c.563G>A (p.Ser188Asn)

Gene: HGSNAT (heparan-alpha-glucosaminide N-acetyltransferase; plus strand). Cytogenetic location: 8p11.21.
Variant type: single nucleotide variant.
Coding change: c.563G>A on transcript NM_152419.3 (MANE Select); coding-DNA position 563, G replaced by A.
Protein change: p.Ser188Asn; replaces serine 188 with asparagine.
Molecular consequence: missense variant. On other transcripts: 5 prime UTR variant (1).
Genome position (GRCh38, 1-based): chr8:43,161,507, G>A. VCF-style: chr8-43161507-G-A. GRCh37 (hg19) VCF-style: chr8-43016650-G-A.
Other names: c.563G>A, p.Ser188Asn (NM_001363227.2, NM_001363228.2); c.-271G>A (NM_001363229.2); short protein forms S188N.
Identifiers: ClinVar variation 1468563 (VCV001468563.5), dbSNP rs2130722111, ClinGen allele CA371115871.

ClinVar aggregate classification (germline): Uncertain significance (1 of 4 stars; one submission).

Conditions:
Mucopolysaccharidosis, MPS-III-C (MPS3C). Also called: SANFILIPPO SYNDROME C; MPS III C; MPS IIIC (Sanfilippo Syndrome Type C); MUCOPOLYSACCHARIDOSIS, TYPE IIIC; Mucopolysaccharidosis type IIIC (Sanfilippo C); mucopolysaccharidosis type 3C. Identifiers: Orphanet 581, Orphanet 79271, MedGen C0086649, MONDO:0009657, OMIM 252930.
Retinitis pigmentosa 73 (RP73). Identifiers: Orphanet 791, MedGen C4225287, MONDO:0014687, OMIM 616544.

Allele frequency attached by ClinVar (database versions not stated): gnomAD exomes below 0.00001.

Submission:

Labcorp Genetics (formerly Invitae), Labcorp
Classification: Uncertain significance for Retinitis pigmentosa 73; Mucopolysaccharidosis, MPS-III-C. Last evaluated: 2021-09-02. Review status: criteria provided, single submitter. Criteria: Invitae Variant Classification Sherloc (09022015). Collection method: clinical testing. Allele origin: germline.
Comment: This sequence change replaces serine with asparagine at codon 188 of the HGSNAT protein (p.Ser188Asn). The serine residue is moderately conserved and there is a small physicochemical difference between serine and asparagine. This variant also falls at the last nucleotide of exon 5, which is part of the consensus splice site for this exon. This variant is not present in population databases (ExAC no frequency). This variant has not been reported in the literature in individuals affected with HGSNAT-related conditions. Algorithms developed to predict the effect of missense changes on protein structure and function (SIFT, PolyPhen-2, Align-GVGD) all suggest that this variant is likely to be tolerated. Variants that disrupt the consensus splice site are a relatively common cause of aberrant splicing (PMID: 17576681, 9536098). Algorithms developed to predict the effect of sequence changes on RNA splicing suggest that this variant may disrupt the consensus splice site. In summary, the available evidence is currently insufficient to determine the role of this variant in disease. Therefore, it has been classified as a Variant of Uncertain Significance.

Literature cited by the submitters: PubMed 17576681; PubMed 9536098.